The following is an entry in ClinVar:

NM_001048174.2(MUTYH):c.1438T>A (p.Ser480Thr)

Gene: MUTYH (mutY DNA glycosylase; minus strand). Cytogenetic location: 1p34.1.
Variant type: single nucleotide variant.
Coding change: c.1438T>A on transcript NM_001048174.2 (MANE Select); coding-DNA position 1438, T replaced by A.
Protein change: p.Ser480Thr; replaces serine 480 with threonine.
Molecular consequence: missense variant. On other transcripts: non-coding transcript variant (7).
Genome position (GRCh38, 1-based): chr1:45,329,434, A>T on the plus strand (T>A on the coding strand, the complement: MUTYH is on the minus strand). VCF-style: chr1-45329434-A-T. GRCh37 (hg19) VCF-style: chr1-45795106-A-T.
Other names: c.1396T>A, p.Ser466Thr (NM_001407080.1); c.1438T>A, p.Ser480Thr (NM_001407081.1, NM_001407088.1, NM_001407089.1 and 6 more transcripts); c.1093T>A, p.Ser365Thr (NM_001407082.1, NM_001350650.2, NM_001350651.2); c.1480T>A, p.Ser494Thr (NM_001407083.1, NM_001407085.1); c.1441T>A, p.Ser481Thr (NM_001407086.1, NM_001048172.2, NM_001407071.1 and 1 more transcripts); c.1459T>A, p.Ser487Thr (NM_001407087.1); c.1162T>A, p.Ser388Thr (NM_001407091.1, NM_001293192.2, NM_001293196.2); c.1522T>A, p.Ser508Thr (NM_001128425.2); and 5 more; short protein forms S365T, S452T, S467T, S481T, S388T, S491T, S505T, S508T.
Identifiers: ClinVar variation 4113321 (VCV004113321.1).
Genomic context (GRCh38, chr1:45,329,434, plus strand): 5'-CTTGCTGGCCCATGCGGGGCTTTTTCCGACTGCACGGAGAGGACACCTGGGACCTTTTGG[A>T]ACCCTGTGAAAAAATGGAAGGAGGGAGGCCTTGTAGTTGGGGGAGGGGGAGCAGAGAATC-3'
Protein context (NP_001041639.1, residues 470-490): QGQQPGTCMG[Ser480Thr]KRSQVSSPCS

ClinVar aggregate classification (germline): Uncertain significance (1 of 4 stars; one submission).

Conditions:
Hereditary cancer-predisposing syndrome. Also called: Tumor predisposition; Neoplastic Syndromes, Hereditary; Hereditary neoplastic syndrome; Hereditary Cancer Syndrome. Identifiers: Orphanet 140162, MedGen C0027672, MeSH D009386, MONDO:0015356.

Submission:

Ambry Genetics
Classification: Uncertain significance for Hereditary cancer-predisposing syndrome. Last evaluated: 2025-08-27. Review status: criteria provided, single submitter. Criteria: Ambry Variant Classification Scheme 2023. Collection method: clinical testing. Allele origin: germline.
Comment: The p.S508T variant (also known as c.1522T>A), located in coding exon 16 of the MUTYH gene, results from a T to A substitution at nucleotide position 1522. The serine at codon 508 is replaced by threonine, an amino acid with similar properties. This amino acid position is conserved. In addition, this alteration is predicted to be tolerated by in silico analysis. Based on the available evidence, the clinical significance of this variant remains unclear.